The following is an entry in ClinVar:

ClinVar aggregate classification (germline): Uncertain significance. Review status: criteria provided, multiple submitters, no conflicts (2 of 4 stars). 2 submissions from 2 submitters: Uncertain significance (2). Last evaluated 2022-08-09.

Conditions:
Inborn genetic diseases. Identifiers: MedGen C0950123, MeSH D030342.
Developmental and epileptic encephalopathy. Identifiers: MedGen C5779964, MONDO:0100620.

Allele frequency attached by ClinVar (database versions not stated): gnomAD exomes 0.00001 and 0.00003; ExAC 0.00005; TOPMed 0.00011; gnomAD 0.00013; ESP Exome Variant Server 0.00015; 1000 Genomes Project 30x 0.00016; 1000 Genomes Project 0.00020.

Submissions (2):

Labcorp Genetics (formerly Invitae), Labcorp
Classification: Uncertain significance for Early-infantile DEE. Last evaluated: 2022-08-09. Review status: criteria provided, single submitter. Criteria: Invitae Variant Classification Sherloc (09022015). Collection method: clinical testing. Allele origin: germline.
Comment: This sequence change replaces valine, which is neutral and non-polar, with isoleucine, which is neutral and non-polar, at codon 208 of the CACNA2D2 protein (p.Val208Ile). This variant is present in population databases (rs374669124, gnomAD 0.04%). This variant has not been reported in the literature in individuals affected with CACNA2D2-related conditions. ClinVar contains an entry for this variant (Variation ID: 660189). Algorithms developed to predict the effect of missense changes on protein structure and function are either unavailable or do not agree on the potential impact of this missense change (SIFT: "Deleterious"; PolyPhen-2: "Probably Damaging"; Align-GVGD: "Class C0"). In summary, the available evidence is currently insufficient to determine the role of this variant in disease. Therefore, it has been classified as a Variant of Uncertain Significance.

Ambry Genetics
Classification: Uncertain significance for Inborn genetic diseases. Last evaluated: 2021-08-18. Review status: criteria provided, single submitter. Criteria: Ambry Variant Classification Scheme 2023. Collection method: clinical testing. Allele origin: germline.

NM_006030.4(CACNA2D2):c.622G>A (p.Val208Ile)

Gene: CACNA2D2 (calcium voltage-gated channel auxiliary subunit alpha2delta 2; minus strand). Cytogenetic location: 3p21.31.
Variant type: single nucleotide variant.
Coding change: c.622G>A on transcript NM_006030.4 (MANE Select); coding-DNA position 622, G replaced by A.
Protein change: p.Val208Ile; replaces valine 208 with isoleucine.
Molecular consequence: missense variant.
Genome position (GRCh38, 1-based): chr3:50,384,226, C>T on the plus strand (G>A on the coding strand, the complement: CACNA2D2 is on the minus strand). VCF-style: chr3-50384226-C-T. GRCh37 (hg19) VCF-style: chr3-50421657-C-T.
Other names: c.622G>A, p.Val208Ile (NM_001005505.3, NM_001174051.3); c.415G>A, p.Val139Ile (NM_001291101.1); c.622G>A (NM_001174051.1); short protein forms V208I, V139I.
Identifiers: ClinVar variation 660189 (VCV000660189.7), dbSNP rs374669124, ClinGen allele CA2419129.